The following is an entry in ClinVar:

ClinVar aggregate classification (germline): Uncertain significance (1 of 4 stars; one submission).

Conditions:
Hereditary cancer-predisposing syndrome. Also called: Neoplastic Syndromes, Hereditary; Hereditary Cancer Syndrome; Tumor predisposition; Hereditary neoplastic syndrome. Identifiers: Orphanet 140162, MedGen C0027672, MeSH D009386, MONDO:0015356.

Allele frequency attached by ClinVar (database versions not stated): gnomAD exomes below 0.00001.

Submission:

Ambry Genetics
Classification: Uncertain significance for Hereditary cancer-predisposing syndrome. Last evaluated: 2025-12-13. Review status: criteria provided, single submitter. Criteria: Ambry Variant Classification Scheme 2023. Collection method: clinical testing. Allele origin: germline.
Comment: The p.S180F variant (also known as c.539C>T), located in coding exon 1 of the GREM1 gene, results from a C to T substitution at nucleotide position 539. The serine at codon 180 is replaced by phenylalanine, an amino acid with highly dissimilar properties. This amino acid position is conserved. In addition, the in silico prediction for this alteration is inconclusive. Since supporting evidence is limited at this time, the clinical significance of this alteration remains unclear.

NM_013372.7(GREM1):c.539C>T (p.Ser180Phe)

Gene: GREM1 (gremlin 1, DAN family BMP antagonist; plus strand). Cytogenetic location: 15q13.3.
Variant type: single nucleotide variant.
Coding change: c.539C>T on transcript NM_013372.7 (MANE Select); coding-DNA position 539, C replaced by T.
Protein change: p.Ser180Phe; replaces serine 180 with phenylalanine.
Molecular consequence: missense variant.
Genome position (GRCh38, 1-based): chr15:32,731,229, C>T. VCF-style: chr15-32731229-C-T. GRCh37 (hg19) VCF-style: chr15-33023430-C-T.
Other names: c.329C>T, p.Ser110Phe (NM_001191322.2); c.416C>T, p.Ser139Phe (NM_001191323.2); c.539C>T, p.Ser180Phe (NM_001368719.1); short protein forms S180F, S139F, S110F.
Identifiers: ClinVar variation 2447144 (VCV002447144.3), dbSNP rs2548708154, ClinGen allele CA391558181.